The following is an entry in ClinVar:

ClinVar aggregate classification (germline): Benign/Likely benign. Review status: criteria provided, multiple submitters, no conflicts (2 of 4 stars). 4 submissions from 4 submitters: Benign (2); Likely benign (1). 1 of the submissions does not count toward it. Last evaluated 2026-01-26.

Conditions:
Primary ciliary dyskinesia. Also called: Ciliary dyskinesia. Identifiers: Orphanet 244, MedGen C0008780, MONDO:0016575, HP:0012265.
DNAH11-related disorder. Also called: DNAH11-related condition.

Allele frequency attached by ClinVar (database versions not stated): ESP Exome Variant Server 0.00008; TOPMed 0.00018; 1000 Genomes Project 30x 0.00156; 1000 Genomes Project 0.00200.
gnomAD v4.1: 818 of 1,613,322 alleles (0.051%); highest among the groups gnomAD compares: East Asian, 1.7%; 8 homozygotes.

Submissions (4):

Labcorp Genetics (formerly Invitae), Labcorp
Classification: Benign for Primary ciliary dyskinesia. Last evaluated: 2026-01-26. Review status: criteria provided, single submitter. Criteria: Invitae Variant Classification Sherloc (09022015). Collection method: clinical testing. Allele origin: germline.

Blueprint Genetics
Classification: Likely benign. Last evaluated: 2024-11-06. Review status: criteria provided, single submitter. Criteria: ACMG Guidelines, 2015. Collection method: clinical testing. Allele origin: germline.

Ambry Genetics
Classification: Benign for Primary ciliary dyskinesia. Last evaluated: 2015-04-08. Review status: criteria provided, single submitter. Criteria: Ambry Variant Classification Scheme 2023. Collection method: clinical testing. Allele origin: germline.

PreventionGenetics, part of Exact Sciences
Classification: Likely benign for DNAH11-related condition. Last evaluated: 2024-07-18. Review status: no assertion criteria provided. Collection method: clinical testing. Allele origin: germline. Not counted in ClinVar's aggregate classification.
Comment: This variant is classified as likely benign based on ACMG/AMP sequence variant interpretation guidelines (Richards et al. 2015 PMID: 25741868, with internal and published modifications).

NM_001277115.2(DNAH11):c.9402C>G (p.Ala3134=)

Gene: DNAH11 (dynein axonemal heavy chain 11; plus strand). Cytogenetic location: 7p15.3.
Variant type: single nucleotide variant.
Coding change: c.9402C>G on transcript NM_001277115.2 (MANE Select); coding-DNA position 9402, C replaced by G.
Protein change: p.Ala3134=; no amino-acid change (alanine 3134 retained).
Molecular consequence: synonymous variant.
Genome position (GRCh38, 1-based): chr7:21,779,023, C>G. VCF-style: chr7-21779023-C-G. GRCh37 (hg19) VCF-style: chr7-21818641-C-G.
Other names: c.9423C>G (NM_003777.3).
Identifiers: ClinVar variation 238942 (VCV000238942.13), dbSNP rs148800414, ClinGen allele CA4181953.